The following is an entry in ClinVar:

NM_020693.4(DSCAML1):c.5642G>A (p.Arg1881Gln)

Gene: DSCAML1 (DS cell adhesion molecule like 1; minus strand). Cytogenetic location: 11q23.3.
Variant type: single nucleotide variant.
Coding change: c.5642G>A on transcript NM_020693.4 (MANE Select); coding-DNA position 5642, G replaced by A.
Protein change: p.Arg1881Gln; replaces arginine 1881 with glutamine.
Molecular consequence: missense variant.
Genome position (GRCh38, 1-based): chr11:117,430,766, C>T on the plus strand (G>A on the coding strand, the complement: DSCAML1 is on the minus strand). VCF-style: chr11-117430766-C-T. GRCh37 (hg19) VCF-style: chr11-117301482-C-T.
Other names: short protein forms R1881Q.
Identifiers: ClinVar variation 1356573 (VCV001356573.6), dbSNP rs202179743, ClinGen allele CA6296025.

ClinVar aggregate classification (germline): Uncertain significance (1 of 4 stars; one submission).

Allele frequency attached by ClinVar (database versions not stated): gnomAD exomes 0.00011 and 0.00012; ExAC 0.00012; ESP Exome Variant Server 0.00015; gnomAD 0.00016 and 0.00019; TOPMed 0.00019.
gnomAD v4.1: 187 of 1,613,820 alleles (0.012%); highest among the groups gnomAD compares: African/African-American, 0.024%; no homozygotes.

Submission:

Labcorp Genetics (formerly Invitae), Labcorp
Classification: Uncertain significance. Last evaluated: 2025-12-15. Review status: criteria provided, single submitter. Criteria: Invitae Variant Classification Sherloc (09022015). Collection method: clinical testing. Allele origin: germline.
Comment: This sequence change replaces arginine, which is basic and polar, with glutamine, which is neutral and polar, at codon 1941 of the DSCAML1 protein (p.Arg1941Gln). This variant is present in population databases (rs202179743, gnomAD 0.05%). This variant has not been reported in the literature in individuals affected with DSCAML1-related conditions. ClinVar contains an entry for this variant (Variation ID: 1356573). An algorithm developed to predict the effect of missense changes on protein structure and function (PolyPhen-2) suggests that this variant is likely to be disruptive. In summary, the available evidence is currently insufficient to determine the role of this variant in disease. Therefore, it has been classified as a Variant of Uncertain Significance.